The following is an entry in ClinVar:

ClinVar aggregate classification (germline): Uncertain significance. Review status: criteria provided, multiple submitters, no conflicts (2 of 4 stars). 2 submissions from 2 submitters: Uncertain significance (2). Last evaluated 2026-02-01.

gnomAD v4.1: 1 of 1,614,044 alleles (0.000062%); highest among the groups gnomAD compares: Admixed American, 0.0017%; no homozygotes.

Submissions (2):

CeGaT Center for Human Genetics Tuebingen
Classification: Uncertain significance. Last evaluated: 2026-02-01. Review status: criteria provided, single submitter. Criteria: CeGaT Center For Human Genetics Tuebingen Variant Classification Criteria Version 2. Collection method: clinical testing. Allele origin: germline. Affected: yes. Observed: 1 variant allele.
Comment: KCNB2: PM2

Ambry Genetics
Classification: Uncertain significance. Last evaluated: 2025-06-18. Review status: criteria provided, single submitter. Criteria: Ambry Variant Classification Scheme 2023. Collection method: clinical testing. Allele origin: germline.

NM_004770.3(KCNB2):c.1582T>C (p.Ser528Pro)

Gene: KCNB2 (potassium voltage-gated channel subfamily B member 2; plus strand). Cytogenetic location: 8q21.11.
Variant type: single nucleotide variant.
Coding change: c.1582T>C on transcript NM_004770.3 (MANE Select); coding-DNA position 1582, T replaced by C.
Protein change: p.Ser528Pro; replaces serine 528 with proline.
Molecular consequence: missense variant.
Genome position (GRCh38, 1-based): chr8:72,936,937, T>C. VCF-style: chr8-72936937-T-C. GRCh37 (hg19) VCF-style: chr8-73849172-T-C.
Other names: short protein forms S528P.
Identifiers: ClinVar variation 4090151 (VCV004090151.5).